The following is an entry in ClinVar:

NM_001848.3(COL6A1):c.1002+6T>C

Gene: COL6A1 (collagen type VI alpha 1 chain; plus strand). Cytogenetic location: 21q22.3.
Variant type: single nucleotide variant.
Coding change: c.1002+6T>C on transcript NM_001848.3 (MANE Select); 6 bases into the intron after coding-DNA position 1002, T replaced by C.
Molecular consequence: intron variant.
Genome position (GRCh38, 1-based): chr21:45,990,428, T>C. VCF-style: chr21-45990428-T-C. GRCh37 (hg19) VCF-style: chr21-47410342-T-C.
Identifiers: ClinVar variation 897509 (VCV000897509.12), dbSNP rs13052179, ClinGen allele CA321964478.

ClinVar aggregate classification (germline): Uncertain significance. Review status: criteria provided, multiple submitters, no conflicts (2 of 4 stars). 2 submissions from 2 submitters: Uncertain significance (2). Last evaluated 2022-09-23.

Conditions:
Bethlem myopathy 1A. Also called: MYOPATHY, BENIGN CONGENITAL, WITH CONTRACTURES; Bethlem myopathy 1; Bethlem Muscular Dystrophy. Identifiers: Orphanet 610, MedGen CN029274, MONDO:0024530, OMIM 158810.
Collagen 6-related myopathy. Identifiers: MedGen CN117976, MONDO:0100225.

Allele frequency attached by ClinVar (database versions not stated): gnomAD exomes 0.00001.

Submissions (2):

Labcorp Genetics (formerly Invitae), Labcorp
Classification: Uncertain significance for Bethlem myopathy 1A. Last evaluated: 2022-09-23. Review status: criteria provided, single submitter. Criteria: Invitae Variant Classification Sherloc (09022015). Collection method: clinical testing. Allele origin: germline.
Comment: This sequence change falls in intron 13 of the COL6A1 gene. It does not directly change the encoded amino acid sequence of the COL6A1 protein. It affects a nucleotide within the consensus splice site. The frequency data for this variant in the population databases is considered unreliable, as metrics indicate poor data quality at this position in the gnomAD database. This variant has not been reported in the literature in individuals affected with COL6A1-related conditions. ClinVar contains an entry for this variant (Variation ID: 897509). Variants that disrupt the consensus splice site are a relatively common cause of aberrant splicing (PMID: 17576681, 9536098). Algorithms developed to predict the effect of sequence changes on RNA splicing suggest that this variant is not likely to affect RNA splicing. In summary, the available evidence is currently insufficient to determine the role of this variant in disease. Therefore, it has been classified as a Variant of Uncertain Significance.

Illumina Laboratory Services, Illumina
Classification: Uncertain significance for Collagen VI-related myopathy. Last evaluated: 2018-01-12. Review status: criteria provided, single submitter. Criteria: ICSL Variant Classification Criteria 13 December 2019. Collection method: clinical testing. Allele origin: germline.

Literature cited by the submitters: PubMed 17576681 (cited by Labcorp Genetics (formerly Invitae), Labcorp); PubMed 9536098 (cited by Labcorp Genetics (formerly Invitae), Labcorp).